The following is an entry in ClinVar:

ClinVar aggregate classification (germline): Uncertain significance. Review status: criteria provided, multiple submitters, no conflicts (2 of 4 stars). 2 submissions from 2 submitters: Uncertain significance (2). Last evaluated 2022-04-28.

Conditions:
Inborn genetic diseases. Identifiers: MedGen C0950123, MeSH D030342.
Progressive myoclonic epilepsy. Also called: Familial progressive myoclonic epilepsy; Myoclonic Epilepsies, Progressive; Myoclonus epilepsy; Progressive myoclonus epilepsy. Identifiers: Orphanet 308, Orphanet 98261, MedGen C0751778, MONDO:0020074.

Allele frequency attached by ClinVar (database versions not stated): ExAC 0.00001; gnomAD exomes 0.00001.
gnomAD v4.1: 4 of 1,614,174 alleles (0.00025%); highest among the groups gnomAD compares: Admixed American, 0.0067%; no homozygotes.

Submissions (2):

Labcorp Genetics (formerly Invitae), Labcorp
Classification: Uncertain significance for Progressive myoclonic epilepsy. Last evaluated: 2022-04-28. Review status: criteria provided, single submitter. Criteria: Invitae Variant Classification Sherloc (09022015). Collection method: clinical testing. Allele origin: germline.
Comment: This sequence change replaces glutamic acid, which is acidic and polar, with valine, which is neutral and non-polar, at codon 239 of the EPM2A protein (p.Glu239Val). This variant is present in population databases (rs769651661, gnomAD 0.01%). This variant has not been reported in the literature in individuals affected with EPM2A-related conditions. Algorithms developed to predict the effect of missense changes on protein structure and function (SIFT, PolyPhen-2, Align-GVGD) all suggest that this variant is likely to be disruptive. In summary, the available evidence is currently insufficient to determine the role of this variant in disease. Therefore, it has been classified as a Variant of Uncertain Significance.

Ambry Genetics
Classification: Uncertain significance for Inborn genetic diseases. Last evaluated: 2019-10-21. Review status: criteria provided, single submitter. Criteria: Ambry Variant Classification Scheme 2023. Collection method: clinical testing. Allele origin: germline.
Comment: The p.E239V variant (also known as c.716A>T), located in coding exon 3 of the EPM2A gene, results from an A to T substitution at nucleotide position 716. The glutamic acid at codon 239 is replaced by valine, an amino acid with dissimilar properties. This amino acid position is highly conserved in available vertebrate species. In addition, the in silico prediction for this alteration is inconclusive. Since supporting evidence is limited at this time, the clinical significance of this alteration remains unclear.

NM_005670.4(EPM2A):c.716A>T (p.Glu239Val)

Gene: EPM2A (EPM2A glucan phosphatase, laforin; minus strand). Cytogenetic location: 6q24.3.
Variant type: single nucleotide variant.
Coding change: c.716A>T on transcript NM_005670.4 (MANE Select); coding-DNA position 716, A replaced by T.
Protein change: p.Glu239Val; replaces glutamic acid 239 with valine.
Molecular consequence: missense variant. On other transcripts: intron variant (1).
Genome position (GRCh38, 1-based): chr6:145,635,247, T>A on the plus strand (A>T on the coding strand, the complement: EPM2A is on the minus strand). VCF-style: chr6-145635247-T-A. GRCh37 (hg19) VCF-style: chr6-145956383-T-A.
Other names: c.716A>T, p.Glu239Val (NM_001018041.2, NM_001368130.1); c.302A>T, p.Glu101Val (NM_001360064.2, NM_001360071.2, NM_001368131.1); c.254A>T, p.Glu85Val (NM_001368129.2, NM_001368132.1); c.477-7554A>T (NM_001360057.2); short protein forms E85V, E239V, E101V.
Identifiers: ClinVar variation 1757463 (VCV001757463.4), dbSNP rs769651661, ClinGen allele CA4035119.